The following is an entry in ClinVar:

ClinVar aggregate classification (germline): Uncertain significance (1 of 4 stars; one submission).

Conditions:
Psoriasis 2. Identifiers: MedGen C1864497, MONDO:0011269, OMIM 602723.
Pityriasis rubra pilaris (PRP). Also called: Pityriasis rubra pilaris--familial type. Identifiers: Orphanet 2897, MedGen C0032027, MONDO:0100017, OMIM 173200, MONDO:0008251.

Allele frequency attached by ClinVar (database versions not stated): gnomAD exomes 0.00001.
gnomAD v4.1: 7 of 1,594,134 alleles (0.00044%); highest among the groups gnomAD compares: Non-Finnish European, 0.0006%; no homozygotes.

Submission:

Labcorp Genetics (formerly Invitae), Labcorp
Classification: Uncertain significance for Pityriasis rubra pilaris; Psoriasis 2. Last evaluated: 2023-03-29. Review status: criteria provided, single submitter. Criteria: Invitae Variant Classification Sherloc (09022015). Collection method: clinical testing. Allele origin: germline.
Comment: Advanced modeling of protein sequence and biophysical properties (such as structural, functional, and spatial information, amino acid conservation, physicochemical variation, residue mobility, and thermodynamic stability) performed at Invitae indicates that this missense variant is not expected to disrupt CARD14 protein function. In summary, the available evidence is currently insufficient to determine the role of this variant in disease. Therefore, it has been classified as a Variant of Uncertain Significance. This sequence change replaces glutamic acid, which is acidic and polar, with alanine, which is neutral and non-polar, at codon 258 of the CARD14 protein (p.Glu258Ala). This variant is not present in population databases (gnomAD no frequency). This variant has not been reported in the literature in individuals affected with CARD14-related conditions.

NM_001366385.1(CARD14):c.773A>C (p.Glu258Ala)

Gene: CARD14 (caspase recruitment domain family member 14; plus strand). Cytogenetic location: 17q25.3.
Variant type: single nucleotide variant.
Coding change: c.773A>C on transcript NM_001366385.1 (MANE Select); coding-DNA position 773, A replaced by C.
Protein change: p.Glu258Ala; replaces glutamic acid 258 with alanine.
Molecular consequence: missense variant. On other transcripts: non-coding transcript variant (1).
Genome position (GRCh38, 1-based): chr17:80,188,474, A>C. VCF-style: chr17-80188474-A-C. GRCh37 (hg19) VCF-style: chr17-78162273-A-C.
Other names: c.773A>C, p.Glu258Ala (NM_001257970.1, NM_024110.4); c.62A>C, p.Glu21Ala (NM_052819.3); short protein forms E258A, E21A.
Identifiers: ClinVar variation 2945462 (VCV002945462.3), dbSNP rs2510620160, ClinGen allele CA401341404.